The following is an entry in ClinVar:

NM_002473.6(MYH9):c.914A>G (p.Asn305Ser)

Gene: MYH9 (myosin heavy chain 9; minus strand). Cytogenetic location: 22q12.3.
Variant type: single nucleotide variant.
Coding change: c.914A>G on transcript NM_002473.6 (MANE Select); coding-DNA position 914, A replaced by G.
Protein change: p.Asn305Ser; replaces asparagine 305 with serine.
Molecular consequence: missense variant.
Genome position (GRCh38, 1-based): chr22:36,320,318, T>C on the plus strand (A>G on the coding strand, the complement: MYH9 is on the minus strand). VCF-style: chr22-36320318-T-C. GRCh37 (hg19) VCF-style: chr22-36716363-T-C.
Other names: short protein forms N305S.
Identifiers: ClinVar variation 2636885 (VCV002636885.1), dbSNP rs755009539, ClinGen allele CA10210425.

ClinVar aggregate classification (germline): Uncertain significance (1 of 4 stars; one submission).

Conditions:
MYH9-related disorder. Identifiers: MedGen C1854520.

Allele frequency attached by ClinVar (database versions not stated): gnomAD 0.00001; TOPMed 0.00001; ExAC 0.00002; gnomAD exomes 0.00003.
gnomAD v4.1: 42 of 1,614,160 alleles (0.0026%); highest among the groups gnomAD compares: Non-Finnish European, 0.0036%; no homozygotes.

Submission:

PreventionGenetics, part of Exact Sciences
Classification: Uncertain significance for MYH9-related condition. Last evaluated: 2023-06-16. Review status: criteria provided, single submitter. Criteria: ACMG Guidelines, 2015. Collection method: clinical testing. Allele origin: germline.
Comment: The MYH9 c.914A>G variant is predicted to result in the amino acid substitution p.Asn305Ser. To our knowledge, this variant has not been reported in the literature. This variant is reported in 0.0044% of alleles in individuals of European (Non-Finnish) descent in gnomAD. At this time, the clinical significance of this variant is uncertain due to the absence of conclusive functional and genetic evidence.